The following is an entry in ClinVar:

ClinVar aggregate classification (germline): Benign. Review status: criteria provided, multiple submitters, no conflicts (2 of 4 stars). 20 submissions from 15 submitters: Benign (16). 4 of the submissions do not count toward it. Last evaluated 2026-06-28.

Conditions:
COACH syndrome 1. Identifiers: Orphanet 1454, MedGen C5435651, MONDO:0800103, OMIM 216360, MONDO:0008996.
Joubert syndrome. Also called: Familial aplasia of the vermis; JOUBERT-BOLTSHAUSER SYNDROME. Identifiers: Orphanet 475, MedGen C5979921, MONDO:0018772.
Meckel-Gruber syndrome. Also called: DYSENCEPHALIA SPLANCHNOCYSTICA; GRUBER SYNDROME; Dysencephalia splachnocystica. Identifiers: Orphanet 564, MedGen C0265215, MONDO:0018921.
Joubert syndrome 6 (JBTS6). Identifiers: Orphanet 475, MedGen C1853153, MONDO:0012539, OMIM 610688.
Nephronophthisis 11 (NPHP11). Identifiers: Orphanet 84081, MedGen C3150796, MONDO:0013302, OMIM 613550.
Meckel syndrome, type 3 (MKS3). Also called: MECKEL-GRUBER SYNDROME, TYPE 3. Identifiers: Orphanet 564, MedGen C1846357, MONDO:0011821, OMIM 607361.

Allele frequency attached by ClinVar (database versions not stated): gnomAD exomes 0.59638 and 0.63563; ExAC 0.63405; ESP Exome Variant Server 0.63865; gnomAD 0.65125 and 0.65135; TOPMed 0.66444; 1000 Genomes Project 30x 0.71424; 1000 Genomes Project 0.71506.
gnomAD v4.1: 965,583 of 1,603,638 alleles (60%); highest among the groups gnomAD compares: East Asian, 79%; 294,521 homozygotes.

Submissions (20):

Women's Health and Genetics/Laboratory Corporation of America, LabCorp
Classification: Benign. Last evaluated: 2026-06-28. Review status: criteria provided, single submitter. Criteria: LabCorp Variant Classification Summary - May 2015. Collection method: clinical testing. Allele origin: germline.

Labcorp Genetics (formerly Invitae), Labcorp
Classification: Benign for Joubert syndrome; Meckel-Gruber syndrome. Last evaluated: 2026-02-04. Review status: criteria provided, single submitter. Criteria: Invitae Variant Classification Sherloc (09022015). Collection method: clinical testing. Allele origin: germline.

Blueprint Genetics
Classification: Benign. Last evaluated: 2024-11-27. Review status: criteria provided, single submitter. Criteria: ACMG Guidelines, 2015. Collection method: clinical testing. Allele origin: germline.

Mayo Clinic Laboratories, Mayo Clinic
Classification: Benign. Last evaluated: 2022-03-24. Review status: criteria provided, single submitter. Criteria: ACMG Guidelines, 2015. Collection method: clinical testing. Allele origin: germline. Observed: 580 variant alleles.

Genome-Nilou Lab
Classification: Benign for COACH syndrome 1. Last evaluated: 2021-09-10. Review status: criteria provided, single submitter. Criteria: ACMG Guidelines, 2015. Collection method: clinical testing. Allele origin: germline. Affected: no.

Genome-Nilou Lab
Classification: Benign for Joubert syndrome 6. Last evaluated: 2021-09-10. Review status: criteria provided, single submitter. Criteria: ACMG Guidelines, 2015. Collection method: clinical testing. Allele origin: germline. Affected: no.

Genome-Nilou Lab
Classification: Benign for Meckel syndrome, type 3. Last evaluated: 2021-09-10. Review status: criteria provided, single submitter. Criteria: ACMG Guidelines, 2015. Collection method: clinical testing. Allele origin: germline. Affected: no.

Genome-Nilou Lab
Classification: Benign for Nephronophthisis 11. Last evaluated: 2021-09-10. Review status: criteria provided, single submitter. Criteria: ACMG Guidelines, 2015. Collection method: clinical testing. Allele origin: germline. Affected: no.

Illumina Laboratory Services, Illumina
Classification: Benign for Nephronophthisis 11. Last evaluated: 2018-01-13. Review status: criteria provided, single submitter. Criteria: ICSL Variant Classification Criteria 13 December 2019. Collection method: clinical testing. Allele origin: germline.
Comment: This variant was observed in the ICSL laboratory as part of a predisposition screen in an ostensibly healthy population. It had not been previously curated by ICSL or reported in the Human Gene Mutation Database (HGMD: prior to June 1st, 2018), and was therefore a candidate for classification through an automated scoring system. Utilizing variant allele frequency, disease prevalence and penetrance estimates, and inheritance mode, an automated score was calculated to assess if this variant is too frequent to cause the disease. Based on the score and internal cut-off values, a variant classified as benign is not then subjected to further curation. The score for this variant resulted in a classification of benign for this disease.

Illumina Laboratory Services, Illumina
Classification: Benign for Meckel syndrome, type 3. Last evaluated: 2018-01-13. Review status: criteria provided, single submitter. Criteria: ICSL Variant Classification Criteria 13 December 2019. Collection method: clinical testing. Allele origin: germline.
Comment: the same text as in the submission from Illumina Laboratory Services, Illumina above.

Illumina Laboratory Services, Illumina
Classification: Benign for Joubert syndrome 6. Last evaluated: 2018-01-13. Review status: criteria provided, single submitter. Criteria: ICSL Variant Classification Criteria 13 December 2019. Collection method: clinical testing. Allele origin: germline.
Comment: the same text as in the submission from Illumina Laboratory Services, Illumina above.

Athena Diagnostics
Classification: Benign. Last evaluated: 2017-07-26. Review status: criteria provided, single submitter. Criteria: Athena Diagnostics Criteria. Collection method: clinical testing. Allele origin: germline.

Eurofins Ntd Llc (ga)
Classification: Benign. Last evaluated: 2015-08-07. Review status: criteria provided, single submitter. Criteria: EGL Classification Definitions 2015. Collection method: clinical testing. Allele origin: germline. Observed: 6 variant alleles, 3 heterozygotes, 3 homozygotes.

GeneDx
Classification: Benign. Last evaluated: 2015-03-03. Review status: criteria provided, single submitter. Criteria: GeneDx Variant Classification Process June 2021. Collection method: clinical testing. Allele origin: germline. Affected: yes.

Breakthrough Genomics
Classification: Benign. Review status: criteria provided, single submitter. Criteria: ACMG Guidelines, 2015. Collection method: not provided. Allele origin: germline. Inheritance: Autosomal recessive inheritance. Affected: yes.

PreventionGenetics, part of Exact Sciences
Classification: Benign. Review status: criteria provided, single submitter. Criteria: ACMG Guidelines, 2015. Collection method: clinical testing. Allele origin: germline.

Clinical Genetics DNA and cytogenetics Diagnostics Lab, Erasmus MC, Erasmus Medical Center
Classification: Benign. Review status: no assertion criteria provided. Collection method: clinical testing. Allele origin: germline. Affected: yes. Study: VKGL Data-share Consensus. Not counted in ClinVar's aggregate classification.

Genetic Services Laboratory, University of Chicago
Classification: Likely benign for AllHighlyPenetrant. Review status: no assertion criteria provided. Collection method: clinical testing. Allele origin: germline. Inheritance: Autosomal recessive inheritance. Observed: 538 variant alleles. Not counted in ClinVar's aggregate classification.
Comment: Likely benign based on allele frequency in 1000 Genomes Project or ESP global frequency and its presence in a patient with a rare or unrelated disease phenotype. NOT Sanger confirmed.

Genome Diagnostics Laboratory, University Medical Center Utrecht
Classification: Benign. Review status: no assertion criteria provided. Collection method: clinical testing. Allele origin: germline. Affected: yes. Study: VKGL Data-share Consensus. Not counted in ClinVar's aggregate classification.

Joint Genome Diagnostic Labs from Nijmegen and Maastricht, Radboudumc and MUMC+
Classification: Benign. Review status: no assertion criteria provided. Collection method: clinical testing. Allele origin: germline. Affected: yes. Study: VKGL Data-share Consensus. Not counted in ClinVar's aggregate classification.

NM_153704.6(TMEM67):c.1066-3C>T

Gene: TMEM67 (transmembrane protein 67; plus strand). Cytogenetic location: 8q22.1.
Variant type: single nucleotide variant.
Coding change: c.1066-3C>T on transcript NM_153704.6 (MANE Select); 3 bases into the intron before coding-DNA position 1066, C replaced by T.
Molecular consequence: intron variant.
Genome position (GRCh38, 1-based): chr8:93,782,392, C>T. VCF-style: chr8-93782392-C-T. GRCh37 (hg19) VCF-style: chr8-94794620-C-T.
Other names: p.?; c.823-3C>T (NM_001142301.1).
Identifiers: ClinVar variation 96528 (VCV000096528.36), dbSNP rs3097427, ClinGen allele CA149586.